The following is an entry in ClinVar:

ClinVar aggregate classification (germline): Uncertain significance (1 of 4 stars; one submission).

Conditions:
Galactosylceramide beta-galactosidase deficiency. Also called: Leukodystrophy, Globoid Cell; GALACTOCEREBROSIDASE DEFICIENCY; GALC DEFICIENCY; GLOBOID CELL LEUKOENCEPHALOPATHY; Krabbe Disease. Identifiers: Orphanet 487, MedGen C0023521, MONDO:0009499, OMIM 245200.

Allele frequency attached by ClinVar (database versions not stated): gnomAD exomes below 0.00001; TOPMed below 0.00001.
gnomAD v4.1: 2 of 1,609,276 alleles (0.00012%); highest among the groups gnomAD compares: Admixed American, 0.0017%; no homozygotes.

Submission:

Labcorp Genetics (formerly Invitae), Labcorp
Classification: Uncertain significance for Galactosylceramide beta-galactosidase deficiency. Last evaluated: 2022-01-12. Review status: criteria provided, single submitter. Criteria: Invitae Variant Classification Sherloc (09022015). Collection method: clinical testing. Allele origin: germline.
Comment: This sequence change replaces alanine, which is neutral and non-polar, with threonine, which is neutral and polar, at codon 592 of the GALC protein (p.Ala592Thr). This variant is not present in population databases (gnomAD no frequency). This variant has not been reported in the literature in individuals affected with GALC-related conditions. Advanced modeling of protein sequence and biophysical properties (such as structural, functional, and spatial information, amino acid conservation, physicochemical variation, residue mobility, and thermodynamic stability) performed at Invitae indicates that this missense variant is not expected to disrupt GALC protein function. In summary, the available evidence is currently insufficient to determine the role of this variant in disease. Therefore, it has been classified as a Variant of Uncertain Significance.

NM_000153.4(GALC):c.1774G>A (p.Ala592Thr)

Gene: GALC (galactosylceramidase; minus strand). Cytogenetic location: 14q31.3.
Variant type: single nucleotide variant.
Coding change: c.1774G>A on transcript NM_000153.4 (MANE Select); coding-DNA position 1774, G replaced by A.
Protein change: p.Ala592Thr; replaces alanine 592 with threonine.
Molecular consequence: missense variant.
Genome position (GRCh38, 1-based): chr14:87,941,455, C>T on the plus strand (G>A on the coding strand, the complement: GALC is on the minus strand). VCF-style: chr14-87941455-C-T. GRCh37 (hg19) VCF-style: chr14-88407799-C-T.
Other names: c.1705G>A, p.Ala569Thr (NM_001201401.2); c.1696G>A, p.Ala566Thr (NM_001201402.2); short protein forms A569T, A592T, A566T.
Identifiers: ClinVar variation 2150204 (VCV002150204.1), dbSNP rs1360345372, ClinGen allele CA390745710.
Genomic context (GRCh38, chr14:87,941,455, plus strand): 5'-CTAAATCACCTGTAACCCTGTAAGATCCATTTGCAAAAATCCAGAAGAAAATTCCTCTGG[C>T]ACTTCTAATCAAAATACCACCTTTATTTACTCTTCCTGCAATGAACACACCTCCTGTGTC-3'
Protein context (NP_000144.2, residues 582-602): VNKGGILIRS[Ala592Thr]RGIFFWIFAN